The following is an entry in ClinVar:

NM_000075.4(CDK4):c.868C>T (p.Leu290=)

Genes: CDK4 (cyclin dependent kinase 4; minus strand), TSPAN31 (tetraspanin 31; plus strand). Cytogenetic location: 12q14.1.
Variant type: single nucleotide variant.
Coding change: c.868C>T on transcript NM_000075.4 (MANE Select); coding-DNA position 868, C replaced by T.
Protein change: p.Leu290=; no amino-acid change (leucine 290 retained).
Molecular consequence: synonymous variant. On other transcripts: 3 prime UTR variant (3).
Genome position (GRCh38, 1-based): chr12:57,748,569, G>A on the plus strand (C>T on the coding strand, the complement: CDK4 is on the minus strand). VCF-style: chr12-57748569-G-A. GRCh37 (hg19) VCF-style: chr12-58142352-G-A.
Other names: c.*1279G>A (NM_001330168.2, NM_001330169.2, NM_005981.5).
Identifiers: ClinVar variation 758100 (VCV000758100.12), dbSNP rs1555201026, ClinGen allele CA480299573.

ClinVar aggregate classification (germline): Benign/Likely benign. Review status: criteria provided, multiple submitters, no conflicts (2 of 4 stars). 3 submissions from 3 submitters: Benign (1); Likely benign (2). Last evaluated 2025-12-21.

Conditions:
Hereditary cancer-predisposing syndrome. Also called: Tumor predisposition; Neoplastic Syndromes, Hereditary; Hereditary Cancer Syndrome; Hereditary neoplastic syndrome. Identifiers: Orphanet 140162, MedGen C0027672, MeSH D009386, MONDO:0015356.
Melanoma, cutaneous malignant, susceptibility to, 3. Also called: Cutaneous malignant melanoma 3. Identifiers: Orphanet 618, MedGen C1836892, MONDO:0012183, OMIM 609048.
Familial melanoma. Also called: Hereditary melanoma; Hereditary cutaneous melanoma. Identifiers: Orphanet 618, MedGen C1512419, MONDO:0018961.

Submissions (3):

Labcorp Genetics (formerly Invitae), Labcorp
Classification: Likely benign for Familial melanoma. Last evaluated: 2025-12-21. Review status: criteria provided, single submitter. Criteria: Invitae Variant Classification Sherloc (09022015). Collection method: clinical testing. Allele origin: germline.

Myriad Genetics, Inc.
Classification: Benign for Melanoma, cutaneous malignant, susceptibility to, 3. Last evaluated: 2024-09-27. Review status: criteria provided, single submitter. Criteria: Myriad Autosomal Dominant, Autosomal Recessive and X-Linked Classification Criteria (2023). Collection method: clinical testing. Allele origin: unknown.
Comment: This variant is considered benign. This variant is a silent/synonymous amino acid change and it is not expected to impact splicing.

Ambry Genetics
Classification: Likely benign for Hereditary cancer-predisposing syndrome. Last evaluated: 2021-12-21. Review status: criteria provided, single submitter. Criteria: Ambry Variant Classification Scheme 2023. Collection method: clinical testing. Allele origin: germline.